The following is an entry in ClinVar:

ClinVar aggregate classification (germline): Uncertain significance. Review status: criteria provided, multiple submitters, no conflicts (2 of 4 stars). 3 submissions from 3 submitters: Uncertain significance (3). Last evaluated 2026-02-01.

Conditions:
Inborn genetic diseases. Identifiers: MedGen C0950123, MeSH D030342.
C3 glomerulonephritis. Also called: Nephropathy due to CFHR5 Deficiency; C3 GLOMERULOPATHY 3. Identifiers: Orphanet 329931, MedGen C4055342, MONDO:0013892, OMIM 614809.

Allele frequency attached by ClinVar (database versions not stated): gnomAD 0.00001; ExAC 0.00002; TOPMed 0.00003.
gnomAD v4.1: 9 of 1,613,380 alleles (0.00056%); highest among the groups gnomAD compares: East Asian, 0.016%; no homozygotes.

Submissions (3):

Labcorp Genetics (formerly Invitae), Labcorp
Classification: Uncertain significance. Last evaluated: 2026-02-01. Review status: criteria provided, single submitter. Criteria: Invitae Variant Classification Sherloc (09022015). Collection method: clinical testing. Allele origin: germline.
Comment: This sequence change replaces serine, which is neutral and polar, with asparagine, which is neutral and polar, at codon 164 of the CFHR5 protein (p.Ser164Asn). This variant is present in population databases (rs779082409, gnomAD 0.04%). This variant has not been reported in the literature in individuals affected with CFHR5-related conditions. ClinVar contains an entry for this variant (Variation ID: 3143832). Invitae Evidence Modeling of protein sequence and biophysical properties (such as structural, functional, and spatial information, amino acid conservation, physicochemical variation, residue mobility, and thermodynamic stability) indicates that this missense variant is not expected to disrupt CFHR5 protein function with a negative predictive value of 80%. In summary, the available evidence is currently insufficient to determine the role of this variant in disease. Therefore, it has been classified as a Variant of Uncertain Significance.

Fulgent Genetics
Classification: Uncertain significance for C3 glomerulonephritis. Last evaluated: 2024-04-18. Review status: criteria provided, single submitter. Criteria: ACMG Guidelines, 2015. Collection method: clinical testing. Allele origin: germline.

Ambry Genetics
Classification: Uncertain significance for Inborn genetic diseases. Last evaluated: 2023-10-04. Review status: criteria provided, single submitter. Criteria: Ambry Variant Classification Scheme 2023. Collection method: clinical testing. Allele origin: germline.

NM_030787.4(CFHR5):c.491G>A (p.Ser164Asn)

Gene: CFHR5 (complement factor H related 5; plus strand). Cytogenetic location: 1q31.3.
Variant type: single nucleotide variant.
Coding change: c.491G>A on transcript NM_030787.4 (MANE Select); coding-DNA position 491, G replaced by A.
Protein change: p.Ser164Asn; replaces serine 164 with asparagine.
Molecular consequence: missense variant.
Genome position (GRCh38, 1-based): chr1:196,994,140, G>A. VCF-style: chr1-196994140-G-A. GRCh37 (hg19) VCF-style: chr1-196963270-G-A.
Other names: short protein forms S164N.
Identifiers: ClinVar variation 3143832 (VCV003143832.3), dbSNP rs779082409, ClinGen allele CA1307764.